The following is an entry in ClinVar:

NM_000548.5(TSC2):c.2302C>T (p.Pro768Ser)

Gene: TSC2 (TSC complex subunit 2; plus strand). Cytogenetic location: 16p13.3.
Variant type: single nucleotide variant.
Coding change: c.2302C>T on transcript NM_000548.5 (MANE Select); coding-DNA position 2302, C replaced by T.
Protein change: p.Pro768Ser; replaces proline 768 with serine.
Molecular consequence: missense variant. On other transcripts: non-coding transcript variant (5).
Genome position (GRCh38, 1-based): chr16:2,072,930, C>T. VCF-style: chr16-2072930-C-T. GRCh37 (hg19) VCF-style: chr16-2122931-C-T.
Other names: c.2302C>T, p.Pro768Ser (NM_001077183.3, NM_001114382.3, NM_001363528.2 and 6 more transcripts); c.2191C>T, p.Pro731Ser (NM_001318827.2, NM_001406678.1, NM_001406670.1); c.2155C>T, p.Pro719Ser (NM_001318829.2, NM_001406679.1, NM_001406675.1 and 1 more transcripts); c.1702C>T, p.Pro568Ser (NM_001318831.2, NM_001406680.1, NM_001406682.1 and 6 more transcripts); c.2335C>T, p.Pro779Ser (NM_001318832.2); c.1840C>T, p.Pro614Ser (NM_001406681.1); c.958C>T, p.Pro320Ser (NM_001406697.1, NM_001406689.1, NM_001406690.1 and 6 more transcripts); c.700C>T, p.Pro234Ser (NM_001406698.1); and 3 more; short protein forms P234S, P320S, P568S, P614S, P719S, P731S, P749S, P764S.
Identifiers: ClinVar variation 3232113 (VCV003232113.3), dbSNP rs1422055326, ClinGen allele CA394276608.
Genomic context (GRCh38, chr16:2,072,930, plus strand): 5'-GAGCGGCTCCGAGGCGCCCCAGAAGGCTTCTCCAGAACTGACTTGCACCTGGCCGTGGTT[C>T]CAGTGCTGACAGCATTAATCTCTTACCATAACTACCTGGACAAAACCAAACAGGTAGGAG-3'
Protein context (NP_000539.2, residues 758-778): SRTDLHLAVV[Pro768Ser]VLTALISYHN

ClinVar aggregate classification (germline): Conflicting classifications of pathogenicity. Review status: criteria provided, conflicting classifications (1 of 4 stars). 2 submissions from 2 submitters: Uncertain significance (1); Benign (1). Last evaluated 2026-02-03.

Conditions:
Hereditary cancer-predisposing syndrome. Also called: Hereditary Cancer Syndrome; Tumor predisposition; Neoplastic Syndromes, Hereditary; Hereditary neoplastic syndrome. Identifiers: Orphanet 140162, MedGen C0027672, MeSH D009386, MONDO:0015356.
Tuberous sclerosis 2 (TSC2). Identifiers: Orphanet 805, MedGen C1860707, MONDO:0013199, OMIM 613254.

Allele frequency attached by ClinVar (database versions not stated): gnomAD exomes below 0.00001.
gnomAD v4.1: 2 of 1,613,646 alleles (0.00012%); no homozygotes.

Submissions (2):

Labcorp Genetics (formerly Invitae), Labcorp
Classification: Benign for Tuberous sclerosis 2. Last evaluated: 2026-02-03. Review status: criteria provided, single submitter. Criteria: Invitae Variant Classification Sherloc (09022015). Collection method: clinical testing. Allele origin: germline.

Ambry Genetics
Classification: Uncertain significance for Hereditary cancer-predisposing syndrome. Last evaluated: 2023-12-29. Review status: criteria provided, single submitter. Criteria: Ambry Variant Classification Scheme 2023. Collection method: clinical testing. Allele origin: germline.
Comment: The p.P768S variant (also known as c.2302C>T), located in coding exon 20 of the TSC2 gene, results from a C to T substitution at nucleotide position 2302. The proline at codon 768 is replaced by serine, an amino acid with similar properties. This amino acid position is highly conserved in available vertebrate species. In addition, this alteration is predicted to be deleterious by in silico analysis. Since supporting evidence is limited at this time, the clinical significance of this alteration remains unclear.